The following is an entry in ClinVar:

ClinVar aggregate classification (germline): Uncertain significance (1 of 4 stars; one submission).

Submission:

Ambry Genetics
Classification: Uncertain significance. Last evaluated: 2024-03-20. Review status: criteria provided, single submitter. Criteria: Ambry Variant Classification Scheme 2023. Collection method: clinical testing. Allele origin: germline.
Comment: The p.K2367M variant (also known as c.7100A>T), located in coding exon 25 of the POLQ gene, results from an A to T substitution at nucleotide position 7100. The lysine at codon 2367 is replaced by methionine, an amino acid with similar properties. This amino acid position is conserved. In addition, the in silico prediction for this alteration is inconclusive. Based on the available evidence, the clinical significance of this alteration remains unclear.

NM_199420.4(POLQ):c.7100A>T (p.Lys2367Met)

Gene: POLQ (DNA polymerase theta; minus strand). Cytogenetic location: 3q13.33.
Variant type: single nucleotide variant.
Coding change: c.7100A>T on transcript NM_199420.4 (MANE Select); coding-DNA position 7100, A replaced by T.
Protein change: p.Lys2367Met; replaces lysine 2367 with methionine.
Molecular consequence: missense variant.
Genome position (GRCh38, 1-based): chr3:121,460,102, T>A on the plus strand (A>T on the coding strand, the complement: POLQ is on the minus strand). VCF-style: chr3-121460102-T-A. GRCh37 (hg19) VCF-style: chr3-121178949-T-A.
Other names: short protein forms K2367M.
Identifiers: ClinVar variation 3308596 (VCV003308596.1).